The following is an entry in ClinVar:

ClinVar aggregate classification (germline): Pathogenic. Review status: criteria provided, single submitter (1 of 4 stars). 2 submissions from 2 submitters: Pathogenic (1). 1 of the submissions does not count toward it. Last evaluated 2024-10-22.

Conditions:
Very long chain acyl-CoA dehydrogenase deficiency (ACADVLD). Also called: VLCAD Deficiency; Very Long-Chain Acyl-Coenzyme A Dehydrogenase Deficiency. Identifiers: Orphanet 26793, MedGen C3887523, MONDO:0008723, OMIM 201475.

Submissions (2):

Labcorp Genetics (formerly Invitae), Labcorp
Classification: Pathogenic for Very long chain acyl-CoA dehydrogenase deficiency. Last evaluated: 2024-10-22. Review status: criteria provided, single submitter. Criteria: Invitae Variant Classification Sherloc (09022015). Collection method: clinical testing. Allele origin: germline.
Comment: This sequence change creates a premature translational stop signal (p.Gln100Leufs*15) in the ACADVL gene. It is expected to result in an absent or disrupted protein product. Loss-of-function variants in ACADVL are known to be pathogenic (PMID: 9973285, 11590124). This variant is not present in population databases (gnomAD no frequency). This variant has not been reported in the literature in individuals affected with ACADVL-related conditions. ClinVar contains an entry for this variant (Variation ID: 557072). For these reasons, this variant has been classified as Pathogenic.

Counsyl
Classification: Likely pathogenic for Very long chain acyl-CoA dehydrogenase deficiency. Last evaluated: 2018-03-07. Review status: no assertion criteria provided. Collection method: clinical testing. Allele origin: unknown. Not counted in ClinVar's aggregate classification.

Literature cited by the submitters: PubMed 9973285 (cited by Labcorp Genetics (formerly Invitae), Labcorp); PubMed 11590124 (cited by Labcorp Genetics (formerly Invitae), Labcorp).

NM_000018.4(ACADVL):c.299_305del (p.Gln100fs)

Gene: ACADVL (acyl-CoA dehydrogenase very long chain; plus strand). Cytogenetic location: 17p13.1.
Variant type: Deletion.
Coding change: c.299_305del on transcript NM_000018.4 (MANE Select); coding-DNA positions 299 to 305, 7 bases deleted (AGTTTCT; older notation c.299_305delAGTTTCT).
Protein change: p.Gln100fs; shifts the reading frame from glutamine 100.
Molecular consequence: frameshift variant.
Genome position (GRCh38, 1-based): chr17:7,220,787-7,220,793, AGTTTCT deleted. VCF-style (leftmost placement, unchanged base first): chr17-7220786-CAGTTTCT-C. GRCh37 (hg19) VCF-style: chr17-7124105-CAGTTTCT-C.
Other names: c.233_239del, p.Gln78fs (NM_001033859.3); c.368_374del, p.Gln123fs (NM_001270447.2); c.71_77del, p.Gln24fs (NM_001270448.2); short protein forms Q100fs, Q24fs, Q123fs, Q78fs.
Identifiers: ClinVar variation 557072 (VCV000557072.4), dbSNP rs1555527806, ClinGen allele CA658824836.